The following is an entry in ClinVar:

ClinVar aggregate classification (germline): Likely benign. Review status: criteria provided, single submitter (1 of 4 stars). 2 submissions from 2 submitters: Likely benign (1). 1 of the submissions does not count toward it. Last evaluated 2022-06-14.

Conditions:
Polycystic kidney disease, adult type (PKD1). Also called: POLYCYSTIC KIDNEY DISEASE 1 WITH OR WITHOUT POLYCYSTIC LIVER DISEASE; POLYCYSTIC KIDNEY DISEASE, ADULT, TYPE I; Polycystic Kidney Disease 1, Autosomal Dominant; Polycystic kidney disease 1; Polycystic kidney disease 1, severe; Polycystic Kidney, Autosomal Dominant. Identifiers: MedGen C3149841, MONDO:0008263, OMIM 173900.
PKD1-related disorder. Also called: PKD1-related condition.

Allele frequency attached by ClinVar (database versions not stated): gnomAD 0.00001; TOPMed 0.00002.
gnomAD v4.1: 15 of 1,603,304 alleles (0.00094%); highest among the groups gnomAD compares: East Asian, 0.011%; no homozygotes.

Submissions (2):

Department of Pathology and Laboratory Medicine, Sinai Health System
Classification: Likely benign for Polycystic kidney disease, adult type. Last evaluated: 2022-06-14. Review status: criteria provided, single submitter. Criteria: ACMG Guidelines, 2015. Collection method: clinical testing. Allele origin: germline. Affected: yes.

PreventionGenetics, part of Exact Sciences
Classification: Likely benign for PKD1-related condition. Last evaluated: 2019-10-21. Review status: no assertion criteria provided. Collection method: clinical testing. Allele origin: germline. Not counted in ClinVar's aggregate classification.
Comment: This variant is classified as likely benign based on ACMG/AMP sequence variant interpretation guidelines (Richards et al. 2015 PMID: 25741868, with internal and published modifications).

NM_001009944.3(PKD1):c.3015C>T (p.Val1005=)

Gene: PKD1 (polycystin 1, transient receptor potential channel interacting; minus strand). Cytogenetic location: 16p13.3.
Variant type: single nucleotide variant.
Coding change: c.3015C>T on transcript NM_001009944.3 (MANE Select); coding-DNA position 3015, C replaced by T.
Protein change: p.Val1005=; no amino-acid change (valine 1005 retained).
Molecular consequence: synonymous variant.
Genome position (GRCh38, 1-based): chr16:2,112,934, G>A on the plus strand (C>T on the coding strand, the complement: PKD1 is on the minus strand). VCF-style: chr16-2112934-G-A. GRCh37 (hg19) VCF-style: chr16-2162935-G-A.
Other names: c.3015C>T, p.Val1005= (NM_000296.4).
Identifiers: ClinVar variation 3045490 (VCV003045490.3), dbSNP rs768622207, ClinGen allele CA276782303.